The following is an entry in ClinVar:

ClinVar aggregate classification (germline): Uncertain significance (1 of 4 stars; one submission).

Allele frequency attached by ClinVar (database versions not stated): ExAC 0.00001.
gnomAD v4.1: 2 of 1,613,106 alleles (0.00012%); highest among the groups gnomAD compares: Non-Finnish European, 0.00017%; no homozygotes.

Submission:

Labcorp Genetics (formerly Invitae), Labcorp
Classification: Uncertain significance. Last evaluated: 2023-02-25. Review status: criteria provided, single submitter. Criteria: Invitae Variant Classification Sherloc (09022015). Collection method: clinical testing. Allele origin: germline.
Comment: In summary, the available evidence is currently insufficient to determine the role of this variant in disease. Therefore, it has been classified as a Variant of Uncertain Significance. An algorithm developed to predict the effect of missense changes on protein structure and function (PolyPhen-2) suggests that this variant is likely to be disruptive. This variant has not been reported in the literature in individuals affected with HMCN1-related conditions. This variant is present in population databases (rs759708543, gnomAD 0.0009%). This sequence change replaces glutamic acid, which is acidic and polar, with glycine, which is neutral and non-polar, at codon 1306 of the HMCN1 protein (p.Glu1306Gly).

NM_031935.3(HMCN1):c.3917A>G (p.Glu1306Gly)

Gene: HMCN1 (hemicentin 1; plus strand). Cytogenetic location: 1q31.1.
Variant type: single nucleotide variant.
Coding change: c.3917A>G on transcript NM_031935.3 (MANE Select); coding-DNA position 3917, A replaced by G.
Protein change: p.Glu1306Gly; replaces glutamic acid 1306 with glycine.
Molecular consequence: missense variant.
Genome position (GRCh38, 1-based): chr1:186,000,087, A>G. VCF-style: chr1-186000087-A-G. GRCh37 (hg19) VCF-style: chr1-185969219-A-G.
Other names: short protein forms E1306G.
Identifiers: ClinVar variation 2878654 (VCV002878654.3), dbSNP rs759708543, ClinGen allele CA1291858.